The following is an entry in ClinVar:

NM_001351132.2(PEX5):c.1858T>C (p.Tyr620His)

Gene: PEX5 (peroxisomal biogenesis factor 5; plus strand). Cytogenetic location: 12p13.31.
Variant type: single nucleotide variant.
Coding change: c.1858T>C on transcript NM_001351132.2 (MANE Select); coding-DNA position 1858, T replaced by C.
Protein change: p.Tyr620His; replaces tyrosine 620 with histidine.
Molecular consequence: missense variant.
Genome position (GRCh38, 1-based): chr12:7,210,161, T>C. VCF-style: chr12-7210161-T-C. GRCh37 (hg19) VCF-style: chr12-7362757-T-C.
Other names: c.1834T>C, p.Tyr612His (NM_000319.5); c.1903T>C, p.Tyr635His (NM_001131023.2); c.1747T>C, p.Tyr583His (NM_001131024.2, NM_001351124.3, NM_001351126.2 and 7 more transcripts); c.1858T>C, p.Tyr620His (NM_001131025.2, NM_001131026.2, NM_001300789.3 and 4 more transcripts); c.1792T>C, p.Tyr598His (NM_001351135.3, NM_001351138.2); c.1849T>C, p.Tyr617His (NM_001351136.2); c.1723T>C, p.Tyr575His (NM_001351139.2, NM_001351140.2, NM_001374649.2); short protein forms Y575H, Y620H, Y617H, Y598H, Y612H, Y635H, Y583H.
Identifiers: ClinVar variation 970117 (VCV000970117.7), dbSNP rs141242661, ClinGen allele CA6426606.

ClinVar aggregate classification (germline): Uncertain significance (1 of 4 stars; one submission).

Conditions:
Peroxisome biogenesis disorder 2B (PBD2B). Identifiers: Orphanet 44, MedGen C3550234, MONDO:0008736, OMIM 202370.

Allele frequency attached by ClinVar (database versions not stated): gnomAD exomes below 0.00001 and 0.00001; ExAC 0.00002; gnomAD 0.00003; TOPMed 0.00005; ESP Exome Variant Server 0.00015.
gnomAD v4.1: 11 of 1,614,078 alleles (0.00068%); highest among the groups gnomAD compares: African/African-American, 0.011%; no homozygotes.

Submission:

Labcorp Genetics (formerly Invitae), Labcorp
Classification: Uncertain significance for Peroxisome biogenesis disorder 2B. Last evaluated: 2022-07-09. Review status: criteria provided, single submitter. Criteria: Invitae Variant Classification Sherloc (09022015). Collection method: clinical testing. Allele origin: germline.
Comment: This sequence change replaces tyrosine, which is neutral and polar, with histidine, which is basic and polar, at codon 620 of the PEX5 protein (p.Tyr620His). This variant is present in population databases (rs141242661, gnomAD 0.007%). This variant has not been reported in the literature in individuals affected with PEX5-related conditions. ClinVar contains an entry for this variant (Variation ID: 970117). Algorithms developed to predict the effect of missense changes on protein structure and function (SIFT, PolyPhen-2, Align-GVGD) all suggest that this variant is likely to be tolerated. In summary, the available evidence is currently insufficient to determine the role of this variant in disease. Therefore, it has been classified as a Variant of Uncertain Significance.